The following is an entry in ClinVar:

ClinVar aggregate classification (germline): Uncertain significance (1 of 4 stars; one submission).

Submission:

GeneDx
Classification: Uncertain significance. Last evaluated: 2026-01-28. Review status: criteria provided, single submitter. Criteria: GeneDx Variant Classification Process June 2021. Collection method: clinical testing. Allele origin: germline.
Comment: Not observed at significant frequency in large population cohorts (gnomAD); In-frame deletion of 1 amino acid(s) in a non-repeat region; In silico analysis supports a deleterious effect on protein structure/function; Has not been previously published as pathogenic or benign to our knowledge

NM_024757.5(EHMT1):c.1972_1974del (p.Glu658del)

Gene: EHMT1 (euchromatic histone lysine methyltransferase 1; plus strand). Cytogenetic location: 9q34.3.
Variant type: Deletion.
Coding change: c.1972_1974del on transcript NM_024757.5 (MANE Select); coding-DNA positions 1972 to 1974, 3 bases deleted (GAG; older notation c.1972_1974delGAG).
Protein change: p.Glu658del; deletes glutamic acid 658.
Molecular consequence: inframe deletion.
Genome position (GRCh38, 1-based): chr9:137,776,798-137,776,800, GAG deleted; deleting any 3 consecutive bases within chr9:137,776,796-137,776,800 gives the same sequence; the c. name uses the placement nearest the transcript's 3' end. VCF-style (leftmost placement, unchanged base first): chr9-137776795-CAGG-C. GRCh37 (hg19) VCF-style: chr9-140671247-CAGG-C.
Other names: c.1972_1974del, p.Glu658del (NM_001145527.2); c.1879_1881del, p.Glu627del (NM_001354259.2); c.1951_1953del, p.Glu651del (NM_001354263.2); short protein forms E627del, E651del, E658del.
Identifiers: ClinVar variation 4975870 (VCV004975870.1).